The following is an entry in ClinVar:

ClinVar aggregate classification (germline): Uncertain significance (1 of 4 stars; one submission).

Conditions:
Joubert syndrome. Also called: CEREBELLOPARENCHYMAL DISORDER IV; JOUBERT-BOLTSHAUSER SYNDROME; Familial aplasia of the vermis. Identifiers: Orphanet 475, MedGen C5979921, MONDO:0018772.
Orofaciodigital syndrome I (OFD1). Also called: OFDS I; Papillon-Leage and Psaume Syndrome; Oral-Facial-Digital Syndrome Type I. Identifiers: Orphanet 2750, MedGen C1510460, MONDO:0010702, OMIM 311200.

Submission:

Labcorp Genetics (formerly Invitae), Labcorp
Classification: Uncertain significance for Orofaciodigital syndrome I; Joubert syndrome. Last evaluated: 2022-05-10. Review status: criteria provided, single submitter. Criteria: Invitae Variant Classification Sherloc (09022015). Collection method: clinical testing. Allele origin: germline.
Comment: In summary, the available evidence is currently insufficient to determine the role of this variant in disease. Therefore, it has been classified as a Variant of Uncertain Significance. Algorithms developed to predict the effect of missense changes on protein structure and function output the following: SIFT: "Tolerated"; PolyPhen-2: "Benign"; Align-GVGD: "Class C0". The threonine amino acid residue is found in multiple mammalian species, which suggests that this missense change does not adversely affect protein function. This variant has not been reported in the literature in individuals affected with OFD1-related conditions. This variant is not present in population databases (gnomAD no frequency). This sequence change replaces serine, which is neutral and polar, with threonine, which is neutral and polar, at codon 788 of the OFD1 protein (p.Ser788Thr).

NM_003611.3(OFD1):c.2362T>A (p.Ser788Thr)

Gene: OFD1 (OFD1 centriole and centriolar satellite protein; plus strand). Cytogenetic location: Xp22.2.
Variant type: single nucleotide variant.
Coding change: c.2362T>A on transcript NM_003611.3 (MANE Select); coding-DNA position 2362, T replaced by A.
Protein change: p.Ser788Thr; replaces serine 788 with threonine.
Molecular consequence: missense variant.
Genome position (GRCh38, 1-based): chrX:13,761,186, T>A. VCF-style: chrX-13761186-T-A. GRCh37 (hg19) VCF-style: chrX-13779305-T-A.
Other names: c.2242T>A, p.Ser748Thr (NM_001330209.2); c.1942T>A, p.Ser648Thr (NM_001330210.2); short protein forms S748T, S788T, S648T.
Identifiers: ClinVar variation 2134153 (VCV002134153.4), dbSNP rs1458454944, ClinGen allele CA412345084.